The following is an entry in ClinVar:

NM_003900.5(SQSTM1):c.415C>T (p.Arg139Cys)

Gene: SQSTM1 (sequestosome 1; plus strand). Cytogenetic location: 5q35.3.
Variant type: single nucleotide variant.
Coding change: c.415C>T on transcript NM_003900.5 (MANE Select); coding-DNA position 415, C replaced by T.
Protein change: p.Arg139Cys; replaces arginine 139 with cysteine.
Molecular consequence: missense variant.
Genome position (GRCh38, 1-based): chr5:179,823,971, C>T. VCF-style: chr5-179823971-C-T. GRCh37 (hg19) VCF-style: chr5-179250971-C-T.
Other names: p.Arg139Cys; c.415C>T (NM_003900.4); c.163C>T, p.Arg55Cys (NM_001142298.2, NM_001142299.2); short protein forms R139C, R55C.
Identifiers: ClinVar variation 1498430 (VCV001498430.8), dbSNP rs750256905, ClinGen allele CA3600501.

ClinVar aggregate classification (germline): Uncertain significance. Review status: criteria provided, multiple submitters, no conflicts (2 of 4 stars). 3 submissions from 3 submitters: Uncertain significance (3). Last evaluated 2025-12-17.

Conditions:
Frontotemporal dementia and/or amyotrophic lateral sclerosis 1 (FTDALS1). Also called: C9orf72 Frontotemporal Dementia and/or Amyotrophic Lateral Sclerosis; Frontotemporal dementia with motor neuron disease 1. Identifiers: Orphanet 275872, MedGen C5779877, MONDO:0007105, OMIM 105550.
Paget disease of bone 2, early-onset (PDB2). Also called: Paget disease of bone 2. Identifiers: MedGen C4085251, MONDO:0011183, OMIM 602080.

Allele frequency attached by ClinVar (database versions not stated): gnomAD 0.00002; ExAC 0.00003; gnomAD exomes 0.00003 and 0.00005; TOPMed 0.00003.
gnomAD v4.1: 80 of 1,613,930 alleles (0.005%); highest among the groups gnomAD compares: Middle Eastern, 0.016%; no homozygotes.

Submissions (3):

Labcorp Genetics (formerly Invitae), Labcorp
Classification: Uncertain significance for Paget disease of bone 2, early-onset; Frontotemporal dementia and/or amyotrophic lateral sclerosis 1. Last evaluated: 2025-12-17. Review status: criteria provided, single submitter. Criteria: Invitae Variant Classification Sherloc (09022015). Collection method: clinical testing. Allele origin: germline.
Comment: This sequence change replaces arginine, which is basic and polar, with cysteine, which is neutral and slightly polar, at codon 139 of the SQSTM1 protein (p.Arg139Cys). This variant is present in population databases (rs750256905, gnomAD 0.006%). This variant has not been reported in the literature in individuals affected with SQSTM1-related conditions. ClinVar contains an entry for this variant (Variation ID: 1498430). Invitae Evidence Modeling of protein sequence and biophysical properties (such as structural, functional, and spatial information, amino acid conservation, physicochemical variation, residue mobility, and thermodynamic stability) indicates that this missense variant is expected to disrupt SQSTM1 protein function with a positive predictive value of 80%. In summary, the available evidence is currently insufficient to determine the role of this variant in disease. Therefore, it has been classified as a Variant of Uncertain Significance.

Mayo Clinic Laboratories, Mayo Clinic
Classification: Uncertain significance. Last evaluated: 2024-10-22. Review status: criteria provided, single submitter. Criteria: ACMG Guidelines, 2015. Collection method: clinical testing. Allele origin: germline. Observed: 1 variant allele.
Comment: PP3

GeneDx
Classification: Uncertain significance. Last evaluated: 2022-09-29. Review status: criteria provided, single submitter. Criteria: GeneDx Variant Classification Process June 2021. Collection method: clinical testing. Allele origin: germline. Affected: yes.
Comment: In silico analysis supports that this missense variant has a deleterious effect on protein structure/function; Has not been previously published as pathogenic or benign to our knowledge